The following is an entry in ClinVar:

NM_004168.4(SDHA):c.362G>A (p.Trp121Ter)

Gene: SDHA (succinate dehydrogenase complex flavoprotein subunit A; plus strand). Cytogenetic location: 5p15.33.
Variant type: single nucleotide variant.
Coding change: c.362G>A on transcript NM_004168.4 (MANE Select); coding-DNA position 362, G replaced by A.
Protein change: p.Trp121Ter; replaces tryptophan 121 with a stop codon.
Molecular consequence: nonsense. On other transcripts: intron variant (1).
Genome position (GRCh38, 1-based): chr5:225,468, G>A. VCF-style: chr5-225468-G-A. GRCh37 (hg19) VCF-style: chr5-225583-G-A.
Other names: c.362G>A, p.Trp121Ter (NM_001330758.2); c.313-415G>A (NM_001294332.2); short protein forms W121*.
Identifiers: ClinVar variation 4071496 (VCV004071496.5).
Genomic context (GRCh38, chr5:225,468, plus strand): 5'-GGTGTTTCCAGGGAGGAATCAATGCTGCTCTGGGGAACATGGAGGAGGACAACTGGAGGT[G>A]GCATTTCTACGACACCGTGAAGGGCTCCGACTGGCTGGGGGACCAGGATGCCATCCACTA-3'

ClinVar aggregate classification (germline): Pathogenic/Likely pathogenic. Review status: criteria provided, multiple submitters, no conflicts (2 of 4 stars). 2 submissions from 2 submitters: Pathogenic (1); Likely pathogenic (1). Last evaluated 2026-03-01.

Conditions:
Pheochromocytoma/paraganglioma syndrome 5. Also called: Paragangliomas 5; SDHA-Related Hereditary Paraganglioma-Pheochromocytoma Syndrome. Identifiers: Orphanet 29072, MedGen C3279992, MONDO:0013602, OMIM 614165.

Submissions (2):

CeGaT Center for Human Genetics Tuebingen
Classification: Pathogenic. Last evaluated: 2026-03-01. Review status: criteria provided, single submitter. Criteria: CeGaT Center For Human Genetics Tuebingen Variant Classification Criteria Version 2. Collection method: clinical testing. Allele origin: germline. Affected: yes. Observed: 1 variant allele.
Comment: SDHA: PVS1, PM2

Department of Human Genetics, Hannover Medical School
Classification: Likely pathogenic for Pheochromocytoma/paraganglioma syndrome 5. Last evaluated: 2025-07-28. Review status: criteria provided, single submitter. Criteria: ACMG Guidelines, 2015. Collection method: clinical testing. Allele origin: germline. Affected: yes.
Comment: PVS1, PM2_Supporting